The following is an entry in ClinVar:

ClinVar aggregate classification (germline): Uncertain significance (1 of 4 stars; one submission).

Submission:

Labcorp Genetics (formerly Invitae), Labcorp
Classification: Uncertain significance. Last evaluated: 2022-08-19. Review status: criteria provided, single submitter. Criteria: Invitae Variant Classification Sherloc (09022015). Collection method: clinical testing. Allele origin: germline.
Comment: This sequence change replaces alanine, which is neutral and non-polar, with valine, which is neutral and non-polar, at codon 63 of the LZTFL1 protein (p.Ala63Val). In summary, the available evidence is currently insufficient to determine the role of this variant in disease. Therefore, it has been classified as a Variant of Uncertain Significance. Algorithms developed to predict the effect of missense changes on protein structure and function are either unavailable or do not agree on the potential impact of this missense change (SIFT: "Deleterious"; PolyPhen-2: "Benign"; Align-GVGD: "Class C0"). This variant has not been reported in the literature in individuals affected with LZTFL1-related conditions. This variant is not present in population databases (gnomAD no frequency).

NM_020347.4(LZTFL1):c.188C>T (p.Ala63Val)

Gene: LZTFL1 (leucine zipper transcription factor like 1; minus strand). Cytogenetic location: 3p21.31.
Variant type: single nucleotide variant.
Coding change: c.188C>T on transcript NM_020347.4 (MANE Select); coding-DNA position 188, C replaced by T.
Protein change: p.Ala63Val; replaces alanine 63 with valine.
Molecular consequence: missense variant. On other transcripts: non-coding transcript variant (1).
Genome position (GRCh38, 1-based): chr3:45,835,725, G>A on the plus strand (C>T on the coding strand, the complement: LZTFL1 is on the minus strand). VCF-style: chr3-45835725-G-A. GRCh37 (hg19) VCF-style: chr3-45877217-G-A.
Other names: c.137C>T, p.Ala46Val (NM_001276378.2, NM_001386451.1, NM_001405922.1 and 4 more transcripts); c.176C>T, p.Ala59Val (NM_001276379.2, NM_001405921.1); c.188C>T, p.Ala63Val (NM_001386452.1, NM_001405924.1); c.212C>T, p.Ala71Val (NM_001405920.1, NM_001405925.1); short protein forms A46V, A59V, A63V, A71V.
Identifiers: ClinVar variation 1716774 (VCV001716774.5), dbSNP rs2529798739, ClinGen allele CA352454152.